The following is an entry in ClinVar:

NM_000492.4(CFTR):c.1507A>G (p.Lys503Glu)

Genes: CFTR (CF transmembrane conductance regulator; plus strand), CFTR-AS1 (CFTR antisense RNA 1; minus strand). Cytogenetic location: 7q31.2.
Variant type: single nucleotide variant.
Coding change: c.1507A>G on transcript NM_000492.4 (MANE Select); coding-DNA position 1507, A replaced by G.
Protein change: p.Lys503Glu; replaces lysine 503 with glutamic acid.
Molecular consequence: missense variant.
Genome position (GRCh38, 1-based): chr7:117,559,578, A>G. VCF-style: chr7-117559578-A-G. GRCh37 (hg19) VCF-style: chr7-117199632-A-G.
Other names: short protein forms K503E.
Identifiers: ClinVar variation 1774108 (VCV001774108.2), dbSNP rs2485065692, ClinGen allele CA368984655.

ClinVar aggregate classification (germline): Uncertain significance (1 of 4 stars; one submission).

Conditions:
Cystic fibrosis (CF). Also called: MUCOVISCIDOSIS. Identifiers: Orphanet 586, MedGen C0010674, MONDO:0009061, OMIM 219700. Disease mechanism: loss of function.

Allele frequency attached by ClinVar (database versions not stated): gnomAD exomes below 0.00001.
gnomAD v4.1: 1 of 1,612,890 alleles (0.000062%); highest among the groups gnomAD compares: Non-Finnish European, 0.000085%; no homozygotes.

Submission:

Ambry Genetics
Classification: Uncertain significance for Cystic fibrosis. Last evaluated: 2021-11-10. Review status: criteria provided, single submitter. Criteria: Ambry Variant Classification Scheme 2023. Collection method: clinical testing. Allele origin: germline.
Comment: The p.K503E variant (also known as c.1507A>G), located in coding exon 11 of the CFTR gene, results from an A to G substitution at nucleotide position 1507. The lysine at codon 503 is replaced by glutamic acid, an amino acid with similar properties. This amino acid position is conserved. In addition, this alteration is predicted to be deleterious by in silico analysis. Since supporting evidence is limited at this time, the clinical significance of this alteration remains unclear.